The following is an entry in ClinVar:

ClinVar aggregate classification (germline): Uncertain significance (1 of 4 stars; one submission).

Submissions (2):

Labcorp Genetics (formerly Invitae), Labcorp
Classification: Uncertain significance. Last evaluated: 2022-07-06. Review status: criteria provided, single submitter. Criteria: Invitae Variant Classification Sherloc (09022015). Collection method: clinical testing. Allele origin: germline.
Comment: In summary, the available evidence is currently insufficient to determine the role of this variant in disease. Therefore, it has been classified as a Variant of Uncertain Significance. ClinVar contains an entry for this variant (Variation ID: 1438006). Algorithms developed to predict the effect of sequence changes on RNA splicing suggest that this variant may create or strengthen a splice site. This variant has not been reported in the literature in individuals affected with STAG2-related conditions. This variant is not present in population databases (gnomAD no frequency). This sequence change falls in intron 20 of the STAG2 gene. It does not directly change the encoded amino acid sequence of the STAG2 protein.

Dr. Peter K. Rogan Lab, Western University
No classification provided (evidence only). Condition: Thyroid cancer, nonmedullary, 1. Review status: no classification provided. Collection method: in vitro. Allele origin: not applicable. Functional consequence: retained intron. Not counted in ClinVar's aggregate classification.

NM_001042750.2(STAG2):c.2026-14A>G

Gene: STAG2 (STAG2 cohesin complex component; plus strand). Cytogenetic location: Xq25.
Variant type: single nucleotide variant.
Coding change: c.2026-14A>G on transcript NM_001042750.2 (MANE Select); 14 bases into the intron before coding-DNA position 2026, A replaced by G.
Molecular consequence: intron variant.
Genome position (GRCh38, 1-based): chrX:124,065,862, A>G. VCF-style: chrX-124065862-A-G. GRCh37 (hg19) VCF-style: chrX-123199712-A-G.
Other names: c.2026-14A>G (NM_001042749.2, NM_001375366.1, NM_001375373.1 and 13 more transcripts).
Identifiers: ClinVar variation 1438006 (VCV001438006.7), dbSNP rs758411351, ClinGen allele CA2573159227.